The following is an entry in ClinVar:

GRCh37/hg19 Xp22.31(chrX:6451799-8141017)x1

Genes: PNPLA4 (patatin like domain 4, phospholipase and triacylglycerol lipase; minus strand), PUDP (pseudouridine 5'-phosphatase; minus strand), STS (steroid sulfatase; plus strand), VCX (variable charge X-linked; plus strand), VCX2 (variable charge X-linked 2; minus strand) and 1 more. Cytogenetic location: Xp22.31.
Variant type: copy number loss.
Change: copy number 1 of chrX:6,451,799-8,141,017 (1.69 Mb, GRCh37 coordinates, 1-based), cytogenetic band Xp22.31.
Identifiers: ClinVar variation 638103 (VCV000638103.2).

ClinVar aggregate classification (germline): Pathogenic (1 of 4 stars; one submission).

Submission:

Clinical Genomics Laboratory, Laboratory for Precision Diagnostics, University of Washington
Classification: Pathogenic. Last evaluated: 2018-07-13. Review status: criteria provided, single submitter. Criteria: Clinical Cytogenomics Laboratory Policy on CNV Interpretation. Collection method: clinical testing. Allele origin: unknown. Affected: yes. Observed: 1 variant allele.
Comment: Phenotype in female depends on X-inactivation status

Literature cited by the submitters: PubMed 25659225; PubMed 18413370; PubMed 19609942; PubMed 24119255; PubMed 11477606.